The following is an entry in ClinVar:

NM_000525.4(KCNJ11):c.411G>A (p.Met137Ile)

Gene: KCNJ11 (potassium inwardly rectifying channel subfamily J member 11; minus strand). Cytogenetic location: 11p15.1.
Variant type: single nucleotide variant.
Coding change: c.411G>A on transcript NM_000525.4 (MANE Select); coding-DNA position 411, G replaced by A.
Protein change: p.Met137Ile; replaces methionine 137 with isoleucine.
Molecular consequence: missense variant.
Genome position (GRCh38, 1-based): chr11:17,387,681, C>T on the plus strand (G>A on the coding strand, the complement: KCNJ11 is on the minus strand). VCF-style: chr11-17387681-C-T. GRCh37 (hg19) VCF-style: chr11-17409228-C-T.
Other names: c.150G>A, p.Met50Ile (NM_001166290.2, NM_001377296.1, NM_001377297.1); short protein forms M137I, M50I.
Identifiers: ClinVar variation 1691377 (VCV001691377.5), dbSNP rs371977895, ClinGen allele CA5902291.

ClinVar aggregate classification (germline): Uncertain significance. Review status: criteria provided, multiple submitters, no conflicts (2 of 4 stars). 3 submissions from 3 submitters: Uncertain significance (3). Last evaluated 2026-02-03.

Conditions:
Diabetes mellitus, transient neonatal, 3 (TNDM3). Identifiers: Orphanet 99886, MedGen C1864623, MONDO:0012522, OMIM 610582. Disease mechanism: loss of function.
Hyperinsulinemic hypoglycemia, familial, 2. Also called: HYPERINSULINEMIC HYPOGLYCEMIA, PERSISTENT; HYPERINSULINISM, NEONATAL. Identifiers: Orphanet 276580, Orphanet 276603, MedGen C2931833, MONDO:0011153, OMIM 601820. Disease mechanism: loss of function.
Type 2 diabetes mellitus. Also called: Type II diabetes mellitus. Identifiers: MedGen C0011860, MeSH D003924, MONDO:0005148, OMIM 125853, HP:0005978.
Maturity-onset diabetes of the young type 13. Also called: MODY, TYPE 13. Identifiers: Orphanet 552, MedGen C4225365, MONDO:0014589, OMIM 616329.
Diabetes mellitus, permanent neonatal 2. Also called: KCNJ11-Related Permanent Neonatal Diabetes Mellitus. Identifiers: MedGen C5394296, MONDO:0030087, OMIM 618856.

Allele frequency attached by ClinVar (database versions not stated): gnomAD exomes below 0.00001; ExAC 0.00001; gnomAD 0.00001; TOPMed 0.00001; ESP Exome Variant Server 0.00008.

Submissions (3):

Women's Health and Genetics/Laboratory Corporation of America, LabCorp
Classification: Uncertain significance. Last evaluated: 2026-02-03. Review status: criteria provided, single submitter. Criteria: LabCorp Variant Classification Summary - May 2015. Collection method: clinical testing. Allele origin: germline.
Comment: Variant summary: KCNJ11 c.411G>A (p.Met137Ile) results in a conservative amino acid change in the encoded protein sequence. Algorithms developed to predict the effect of missense changes on protein structure and function are either unavailable or do not agree on the potential impact of this missense change. The variant allele was found at a frequency of 4e-06 in 251124 control chromosomes. The available data on variant occurrences in the general population are insufficient to allow any conclusion about variant significance. To our knowledge, no occurrence of c.411G>A in individuals affected with KCNJ11-related conditions and no experimental evidence demonstrating its impact on protein function have been reported. ClinVar contains an entry for this variant (Variation ID: 1691377). Based on the evidence outlined above, the variant was classified as uncertain significance.

Fulgent Genetics
Classification: Uncertain significance for Type 2 diabetes mellitus; Hyperinsulinemic hypoglycemia, familial, 2; Diabetes mellitus, transient neonatal, 3; Maturity-onset diabetes of the young type 13; Diabetes mellitus, permanent neonatal 2. Last evaluated: 2024-03-26. Review status: criteria provided, single submitter. Criteria: ACMG Guidelines, 2015. Collection method: clinical testing. Allele origin: germline.

Seattle Children's Hospital Molecular Genetics Laboratory, Seattle Children's Hospital
Classification: Uncertain significance. Last evaluated: 2019-06-19. Review status: criteria provided, single submitter. Criteria: ACMG Guidelines, 2015. Collection method: clinical testing. Allele origin: germline. Affected: yes.
Comment: The c.411G>A variant substitutes the methionine with isoleucine at amino acid position 137. The nucleotide position is conserved between species and in silico tools have conflicting predictions about the possible impact of the p.Met137Ile substitution on protein function (MutationTaster, DANN, FATHMM, LRT: damaging; CADD, MutationAssessor: moderate impact; MetaSVM, SIFT, Provean: tolerated). The p.Met137Ile change has been observed in a single heterozygote in large population cohorts (1 of 251,124 alleles; GnomAD v2.1). The p.Met137Ile change has not been reported in the literature as a cause of hyperinsulinism. Missense changes at a neighboring residue (p.Arg136) have been documented as a cause of focal hyperinsulinism (PMID: 20685672). Note that the methionine at residue 137 is located immediately adjacent to the intramembranous pore-forming region of the potassium channel (residues 129-135, UniProtKB-Q14654). Thus it is possible that this variant alters the function of the beta-cell K-ATP channel.